The following is an entry in ClinVar:

ClinVar aggregate classification (germline): Uncertain significance (1 of 4 stars; one submission).

Conditions:
Saldino-Mainzer syndrome (SRTD9). Also called: CONORENAL SYNDROME; Renal dysplasia, retinal pigmentary dystrophy, cerebellar ataxia and skeletal dysplasia; SHORT-RIB THORACIC DYSPLASIA 9 WITHOUT POLYDACTYLY; short-rib thoracic dysplasia 9 with or without polydactyly. Identifiers: Orphanet 140969, MedGen C1849437, MONDO:0009964, OMIM 266920.

Submission:

Labcorp Genetics (formerly Invitae), Labcorp
Classification: Uncertain significance for Saldino-Mainzer syndrome. Last evaluated: 2022-02-21. Review status: criteria provided, single submitter. Criteria: Invitae Variant Classification Sherloc (09022015). Collection method: clinical testing. Allele origin: germline.
Comment: This sequence change replaces glutamic acid, which is acidic and polar, with methionine, which is neutral and non-polar, at codon 1144 of the IFT140 protein (p.Glu1144Met). Information on the frequency of this variant in the gnomAD database is not available, as this variant may be reported differently in the database. This variant has not been reported in the literature in individuals affected with IFT140-related conditions. Algorithms developed to predict the effect of missense changes on protein structure and function are either unavailable or do not agree on the potential impact of this missense change (SIFT: "Not Available"; PolyPhen-2: "Possibly Damaging"; Align-GVGD: "Not Available"). Algorithms developed to predict the effect of sequence changes on RNA splicing suggest that this variant may create or strengthen a splice site. In summary, the available evidence is currently insufficient to determine the role of this variant in disease. Therefore, it has been classified as a Variant of Uncertain Significance.

NM_014714.4(IFT140):c.3430_3431delinsAT (p.Glu1144Met)

Gene: IFT140 (intraflagellar transport 140; minus strand). Cytogenetic location: 16p13.3.
Variant type: Indel.
Coding change: c.3430_3431delinsAT on transcript NM_014714.4 (MANE Select); coding-DNA positions 3430 to 3431, GA replaced by AT.
Protein change: p.Glu1144Met; replaces glutamic acid 1144 with methionine.
Molecular consequence: missense variant.
Genome position (GRCh38, 1-based): chr16:1,523,540-1,523,541, TC replaced by AT on the plus strand (GA replaced by AT on the coding strand, the reverse complement: IFT140 is on the minus strand). VCF-style: chr16-1523540-TC-AT. GRCh37 (hg19) VCF-style: chr16-1573541-TC-AT.
Other names: short protein forms E1144M.
Identifiers: ClinVar variation 2094875 (VCV002094875.4), dbSNP rs2506101498, ClinGen allele CA2580090473.